The following is an entry in ClinVar:

NM_001029.5(RPS26):c.-27C>T

Gene: RPS26 (ribosomal protein S26; plus strand). Cytogenetic location: 12q13.2.
Variant type: single nucleotide variant.
Coding change: c.-27C>T on transcript NM_001029.5 (MANE Select); 27 bases upstream of the start codon, C replaced by T.
Molecular consequence: 5 prime UTR variant.
Genome position (GRCh38, 1-based): chr12:56,042,140, C>T. VCF-style: chr12-56042140-C-T. GRCh37 (hg19) VCF-style: chr12-56435924-C-T.
Other names: c.-27C>T (LRG_1146t1).
Identifiers: ClinVar variation 309856 (VCV000309856.5), dbSNP rs200831849, ClinGen allele CA6621627.

ClinVar aggregate classification (germline): Likely benign (1 of 4 stars; one submission).

Conditions:
Diamond-Blackfan anemia 10 (DBA10). Also called: RPS26-Related Diamond-Blackfan Anemia. Identifiers: Orphanet 124, MedGen C2750080, MONDO:0013217, OMIM 613309.

Allele frequency attached by ClinVar (database versions not stated): ExAC 0.00016; TOPMed 0.00018; ESP Exome Variant Server 0.00031.
gnomAD v4.1: 249 of 1,613,848 alleles (0.015%); highest among the groups gnomAD compares: Middle Eastern, 0.016%; 2 homozygotes.

Submission:

Illumina Laboratory Services, Illumina
Classification: Likely benign for Diamond-Blackfan anemia 10. Last evaluated: 2018-01-12. Review status: criteria provided, single submitter. Criteria: ICSL Variant Classification Criteria 13 December 2019. Collection method: clinical testing. Allele origin: germline.
Comment: This variant was observed in the ICSL laboratory as part of a predisposition screen in an ostensibly healthy population. It had not been previously curated by ICSL or reported in the Human Gene Mutation Database (HGMD: prior to June 1st, 2018), and was therefore a candidate for classification through an automated scoring system. Utilizing variant allele frequency, disease prevalence and penetrance estimates, and inheritance mode, an automated score was calculated to assess if this variant is too frequent to cause the disease. Based on the score and internal cut-off values, a variant classified as likely benign is not then subjected to further curation. The score for this variant resulted in a classification of likely benign for this disease.